The following is an entry in ClinVar:

NM_001005242.3(PKP2):c.519G>T (p.Gln173His)

Gene: PKP2 (plakophilin 2; minus strand). Cytogenetic location: 12p11.21.
Variant type: single nucleotide variant.
Coding change: c.519G>T on transcript NM_001005242.3 (MANE Select); coding-DNA position 519, G replaced by T.
Protein change: p.Gln173His; replaces glutamine 173 with histidine.
Molecular consequence: missense variant.
Genome position (GRCh38, 1-based): chr12:32,878,361, C>A on the plus strand (G>T on the coding strand, the complement: PKP2 is on the minus strand). VCF-style: chr12-32878361-C-A. GRCh37 (hg19) VCF-style: chr12-33031295-C-A.
Other names: c.519G>T, p.Gln173His (NM_001407155.1, NM_001407156.1, NM_001407157.1 and 2 more transcripts); c.192G>T, p.Gln64His (NM_001407158.1, NM_001407159.1, NM_001407160.1 and 1 more transcripts); short protein forms Q173H, Q64H.
Identifiers: ClinVar variation 3073426 (VCV003073426.2), dbSNP rs1387606757, ClinGen allele CA384364766.
Genomic context (GRCh38, chr12:32,878,361, plus strand): 5'-TCTCGGTGGCACTAGGAGGGCGGCCCGCCTGCTTTCTTGGTGGTGCAGGGTGTGCCCAGC[C>A]TGGCTTCTCTGGCTGTACTGGTAATCGCTGTGCGTGTAGTGAGCCCTCTCCGGGCTGCTG-3'
Protein context (NP_001005242.2, residues 163-183): HSDYQYSQRS[Gln173His]AGHTLHHQES

ClinVar aggregate classification (germline): Uncertain significance. Review status: criteria provided, multiple submitters, no conflicts (2 of 4 stars). 2 submissions from 2 submitters: Uncertain significance (2). Last evaluated 2025-11-19.

Conditions:
Arrhythmogenic right ventricular cardiomyopathy (ARVD). Also called: Arrhythmogenic right ventricular dysplasia; Cardiomyopathy, ARVC; Arrhythmogenic cardiomyopathy; Arrhythmogenic Right Ventricular Cardiomyopathy (ARVC). Identifiers: Orphanet 247, MedGen C0349788, MeSH D019571, MONDO:0016587. Disease mechanism: loss of function. Inheritance: Various modes of inheritance.
Cardiovascular phenotype. Identifiers: MedGen CN230736.

Submissions (2):

Ambry Genetics
Classification: Uncertain significance for Cardiovascular phenotype. Last evaluated: 2025-11-19. Review status: criteria provided, single submitter. Criteria: Ambry Variant Classification Scheme 2023. Collection method: clinical testing. Allele origin: germline.

All of Us Research Program, National Institutes of Health
Classification: Uncertain significance for Arrhythmogenic right ventricular cardiomyopathy. Last evaluated: 2023-09-17. Review status: criteria provided, single submitter. Criteria: ACMG Guidelines, 2015. Collection method: clinical testing. Allele origin: germline. Inheritance: Autosomal dominant inheritance. Observed: 1 variant allele, 1 heterozygote.
Comment: This missense variant replaces glutamine with histidine at codon 173 of the PKP2 protein. Computational prediction suggests that this variant may not impact protein structure and function (internally defined REVEL score threshold <= 0.5, PMID: 27666373). To our knowledge, functional studies have not been reported for this variant. This variant has not been reported in individuals affected with PKP2-related disorders in the literature. This variant has not been identified in the general population by the Genome Aggregation Database (gnomAD). The available evidence is insufficient to determine the role of this variant in disease conclusively. Therefore, this variant is classified as a Variant of Uncertain Significance.

This study involves interpretation of variants in research participants for the purpose of population health screening. Participant phenotype was not available at the time of variant classification. Additional details can be found in publication PMID: 35346344, PMCID: PMC8962531